The following is an entry in ClinVar:

NM_013336.4(SEC61A1):c.307G>A (p.Gly103Ser)

Gene: SEC61A1 (SEC61 translocon subunit alpha 1; plus strand). Cytogenetic location: 3q21.3.
Variant type: single nucleotide variant.
Coding change: c.307G>A on transcript NM_013336.4 (MANE Select); coding-DNA position 307, G replaced by A.
Protein change: p.Gly103Ser; replaces glycine 103 with serine.
Molecular consequence: missense variant.
Genome position (GRCh38, 1-based): chr3:128,056,795, G>A. VCF-style: chr3-128056795-G-A. GRCh37 (hg19) VCF-style: chr3-127775638-G-A.
Other names: short protein forms G103S.
Identifiers: ClinVar variation 1513990 (VCV001513990.6), dbSNP rs1941778371, ClinGen allele CA354391843.

ClinVar aggregate classification (germline): Uncertain significance (1 of 4 stars; one submission).

Allele frequency attached by ClinVar (database versions not stated): gnomAD exomes below 0.00001; TOPMed below 0.00001.
gnomAD v4.1: 2 of 1,610,414 alleles (0.00012%); highest among the groups gnomAD compares: Admixed American, 0.0034%; no homozygotes.

Submission:

Labcorp Genetics (formerly Invitae), Labcorp
Classification: Uncertain significance. Last evaluated: 2021-08-05. Review status: criteria provided, single submitter. Criteria: Invitae Variant Classification Sherloc (09022015). Collection method: clinical testing. Allele origin: germline.
Comment: This sequence change replaces glycine with serine at codon 103 of the SEC61A1 protein (p.Gly103Ser). The glycine residue is highly conserved and there is a small physicochemical difference between glycine and serine. This variant is not present in population databases (ExAC no frequency). This variant has not been reported in the literature in individuals affected with SEC61A1-related conditions. Algorithms developed to predict the effect of missense changes on protein structure and function (SIFT, PolyPhen-2, Align-GVGD) all suggest that this variant is likely to be tolerated. In summary, the available evidence is currently insufficient to determine the role of this variant in disease. Therefore, it has been classified as a Variant of Uncertain Significance.